The following is an entry in ClinVar:

GRCh37/hg19 16p13.11-12.3(chr16:14900072-16837613)x3

Genes: ABCC1 (ATP binding cassette subfamily C member 1 (ABCC1 blood group); plus strand), ABCC6 (ATP binding cassette subfamily C member 6; minus strand), BMERB1 (bMERB domain containing 1; plus strand), CEP20 (centrosomal protein 20; minus strand), MARF1 (meiosis regulator and mRNA stability factor 1; minus strand) and 10 more. Cytogenetic location: 16p13.11-12.3.
Variant type: copy number gain.
Change: copy number 3 (three copies instead of two) of chr16:14,900,072-16,837,613 (1.94 Mb, GRCh37 coordinates, 1-based), cytogenetic band 16p13.11-12.3.
Identifiers: ClinVar variation 815798 (VCV000815798.3).

ClinVar aggregate classification (germline): Likely pathogenic (0 of 4 stars; one submission).

Submission:

Quest Diagnostics Nichols Institute San Juan Capistrano
Classification: Likely pathogenic. Last evaluated: 2021-03-01. Review status: no assertion criteria provided. Collection method: clinical testing. Allele origin: germline.
Comment: This copy number gain involves multiple genes and is a recurrent genomic imbalance. It confers susceptibility to a range of neurodevelopmental disorders including autism spectrum disorder, developmental delay, intellectual disability, and speech delay. Additionally, increased risk for cardiovascular disease has been noted (Allach El Khattabi et al., J Med Genet. 2018 Oct 4. Pii: jmedgenet-2018-105389. PMID: 30287593). The clinical significance of this recurrent duplication has been debated, because similar duplications are repeatedly observed in uncharacterized controls and in unaffected relatives (Ullmann R et al., Hum Mutat. 2007 Jul;28(7):674-82.PMID: 17480035; Hannes FD et al., J Med Genet. 2009 Apr;46(4):223-32. PMID: 18550696). However, the duplication is enriched patients versus controls in multiple case-control studies (Coe et al., Nat Genet. 2014 Oct;46(10):1063-71., PMID: 25217958; Girirajan et al., N Engl J Med. 2012 Oct 4;367(14):1321-31., PMID: 22970919), with some exceptions (Kaminsky et al., Genet Med. 2011 Sep;13(9):777-84., PMID: 21844811). A male-biased effect on the penetrance of the neurodevelopmental phenotypes has been reported (Tropeano M et al., PLoS One. 2013 Apr 18;8(4):e61365.; PMID: 23637818). Thus, the clinical significance of this copy number variant (CNV) is likely pathogenic. Please note: because of variable phenotypic expressivity, incomplete penetrance, and occurrence in control populations, it is best interpreted as a susceptibility locus.